The following is an entry in ClinVar:

NM_001114753.3(ENG):c.817-1G>A

Gene: ENG (endoglin; minus strand). Cytogenetic location: 9q34.11.
Variant type: single nucleotide variant.
Coding change: c.817-1G>A on transcript NM_001114753.3 (MANE Select); the canonical splice acceptor site of the intron before coding-DNA position 817, G replaced by A.
Molecular consequence: splice acceptor variant.
Genome position (GRCh38, 1-based): chr9:127,824,975, C>T on the plus strand (G>A on the coding strand, the complement: ENG is on the minus strand). VCF-style: chr9-127824975-C-T. GRCh37 (hg19) VCF-style: chr9-130587254-C-T.
Other names: c.817-1G>A (NM_000118.4, NM_001406715.1); c.271-1G>A (NM_001278138.2).
Identifiers: ClinVar variation 982482 (VCV000982482.3), dbSNP rs1564455715, ClinGen allele CA374982904.

ClinVar aggregate classification (germline): Pathogenic (1 of 4 stars; one submission).

Conditions:
Telangiectasia, hereditary hemorrhagic, type 1 (HHT1). Also called: Osler Weber Rendu syndrome type 1; ENG-Related Hereditary Hemorrhagic Telangiectasia. Identifiers: Orphanet 774, MedGen C4551861, MONDO:0008535, OMIM 187300. Disease mechanism: loss of function.

Submission:

NIHR Bioresource Rare Diseases, University of Cambridge
Classification: Pathogenic for Telangiectasia, hereditary hemorrhagic, type 1. Last evaluated: 2018-01-01. Review status: criteria provided, single submitter. Criteria: ACMG Guidelines, 2015. Collection method: research. Allele origin: unknown. Affected: yes. Observed: 2 variant alleles.
Comment: PVS1+PM2+PP4

Literature cited by the submitters: PubMed 32573726.